The following is an entry in ClinVar:

NM_017780.4(CHD7):c.355G>C (p.Gly119Arg)

Gene: CHD7 (chromodomain helicase DNA binding protein 7; plus strand). Cytogenetic location: 8q12.2.
Variant type: single nucleotide variant.
Coding change: c.355G>C on transcript NM_017780.4 (MANE Select); coding-DNA position 355, G replaced by C.
Protein change: p.Gly119Arg; replaces glycine 119 with arginine.
Molecular consequence: missense variant.
Genome position (GRCh38, 1-based): chr8:60,741,787, G>C. VCF-style: chr8-60741787-G-C. GRCh37 (hg19) VCF-style: chr8-61654346-G-C.
Other names: c.355G>C, p.Gly119Arg (NM_001316690.1); short protein forms G119R.
Identifiers: ClinVar variation 2707709 (VCV002707709.4), dbSNP rs764675280, ClinGen allele CA371297199.

ClinVar aggregate classification (germline): Uncertain significance. Review status: criteria provided, multiple submitters, no conflicts (2 of 4 stars). 2 submissions from 2 submitters: Uncertain significance (2). Last evaluated 2024-05-08.

Conditions:
Hypogonadotropic hypogonadism 5 with or without anosmia (KAL5). Also called: CHD7-Related GnRH Deficiency (Kallmann Syndrome 5); HYPOGONADOTROPIC HYPOGONADISM 5 WITH ANOSMIA; HYPOGONADOTROPHIC HYPOGONADISM 5 WITHOUT ANOSMIA. Identifiers: Orphanet 478, MedGen C3552553, MONDO:0012880, OMIM 612370. Disease mechanism: loss of function.
CHARGE syndrome (CHARGE). Also called: Hittner Hirsch Kreh syndrome; CHARGE ASSOCIATION--COLOBOMA, HEART ANOMALY, CHOANAL ATRESIA, RETARDATION, GENITAL AND EAR ANOMALIES; Coloboma, heart anomaly, choanal atresia, retardation, genital and ear anomalies; CHARGE association; Hall-Hittner syndrome. Identifiers: Orphanet 138, MedGen C0265354, MONDO:0008965.

Submissions (2):

Fulgent Genetics
Classification: Uncertain significance for CHD7-related CHARGE syndrome; Hypogonadotropic hypogonadism 5 with or without anosmia. Last evaluated: 2024-05-08. Review status: criteria provided, single submitter. Criteria: ACMG Guidelines, 2015. Collection method: clinical testing. Allele origin: germline.

Labcorp Genetics (formerly Invitae), Labcorp
Classification: Uncertain significance for CHARGE syndrome. Last evaluated: 2023-06-10. Review status: criteria provided, single submitter. Criteria: Invitae Variant Classification Sherloc (09022015). Collection method: clinical testing. Allele origin: germline.
Comment: Advanced modeling of protein sequence and biophysical properties (such as structural, functional, and spatial information, amino acid conservation, physicochemical variation, residue mobility, and thermodynamic stability) performed at Invitae indicates that this missense variant is not expected to disrupt CHD7 protein function. This variant has not been reported in the literature in individuals affected with CHD7-related conditions. This variant is not present in population databases (gnomAD no frequency). This sequence change replaces glycine, which is neutral and non-polar, with arginine, which is basic and polar, at codon 119 of the CHD7 protein (p.Gly119Arg). In summary, the available evidence is currently insufficient to determine the role of this variant in disease. Therefore, it has been classified as a Variant of Uncertain Significance.